The following is an entry in ClinVar:

ClinVar aggregate classification (germline): Pathogenic (1 of 4 stars; one submission).

Submission:

Labcorp Genetics (formerly Invitae), Labcorp
Classification: Pathogenic. Last evaluated: 2023-09-27. Review status: criteria provided, single submitter. Criteria: Invitae Variant Classification Sherloc (09022015). Collection method: clinical testing. Allele origin: germline.
Comment: This sequence change creates a premature translational stop signal (p.Tyr142*) in the MYO7A gene. It is expected to result in an absent or disrupted protein product. Loss-of-function variants in MYO7A are known to be pathogenic (PMID: 8900236, 25404053). This variant is not present in population databases (gnomAD no frequency). This variant has not been reported in the literature in individuals affected with MYO7A-related conditions. For these reasons, this variant has been classified as Pathogenic.

Literature cited by the submitters: PubMed 8900236; PubMed 25404053.

NM_000260.4(MYO7A):c.426C>A (p.Tyr142Ter)

Gene: MYO7A (myosin VIIA; plus strand). Cytogenetic location: 11q13.5.
Variant type: single nucleotide variant.
Coding change: c.426C>A on transcript NM_000260.4 (MANE Select); coding-DNA position 426, C replaced by A.
Protein change: p.Tyr142Ter; replaces tyrosine 142 with a stop codon.
Molecular consequence: nonsense.
Genome position (GRCh38, 1-based): chr11:77,156,047, C>A. VCF-style: chr11-77156047-C-A. GRCh37 (hg19) VCF-style: chr11-76867093-C-A.
Other names: c.426C>A, p.Tyr142Ter (NM_001127180.2); c.393C>A, p.Tyr131Ter (NM_001369365.1); short protein forms Y142*, Y131*.
Identifiers: ClinVar variation 2754428 (VCV002754428.3), dbSNP rs2496731085, ClinGen allele CA381931592.
Genomic context (GRCh38, chr11:77,156,047, plus strand): 5'-TACCAACAAGAAGATTGGGGAGATGCCCCCCCACATCTTTGCCATTGCTGACAACTGCTA[C>A]TTCAACATGAAACGCAACAGCCGAGACCAGTGCTGCATCATCAGGTGGGCGGCCCAGCAC-3'